The following is an entry in ClinVar:

NM_201384.3(PLEC):c.7388A>G (p.Gln2463Arg)

Gene: PLEC (plectin; minus strand). Cytogenetic location: 8q24.3.
Variant type: single nucleotide variant.
Coding change: c.7388A>G on transcript NM_201384.3 (MANE Select); coding-DNA position 7388, A replaced by G.
Protein change: p.Gln2463Arg; replaces glutamine 2463 with arginine.
Molecular consequence: missense variant. On other transcripts: intron variant (1).
Genome position (GRCh38, 1-based): chr8:143,922,541, T>C on the plus strand (A>G on the coding strand, the complement: PLEC is on the minus strand). VCF-style: chr8-143922541-T-C. GRCh37 (hg19) VCF-style: chr8-144996709-T-C.
Other names: c.4126-146A>G (NM_001410941.1); c.7469A>G, p.Gln2490Arg (NM_000445.5); c.7346A>G, p.Gln2449Arg (NM_201378.4); c.7322A>G, p.Gln2441Arg (NM_201379.3); c.7799A>G, p.Gln2600Arg (NM_201380.4); c.7292A>G, p.Gln2431Arg (NM_201381.3); c.7388A>G, p.Gln2463Arg (NM_201382.4); c.7400A>G, p.Gln2467Arg (NM_201383.3); short protein forms Q2431R, Q2441R, Q2449R, Q2463R, Q2467R, Q2490R, Q2600R.
Identifiers: ClinVar variation 3762992 (VCV003762992.1).
Genomic context (GRCh38, chr8:143,922,541, plus strand): 5'-GTCGCACGTAGAGGGGGCGGTACCTCCTCAGACTTGAGCTGCAGCAGTTTGGCCTCCTGT[T>C]GGAGCTTCTCCTTCTCACGCTCCAGCTCAGCGATGGCCTCCCGCAGGCGCTCGGCATCAT-3'
Protein context (NP_958786.1, residues 2453-2473): AELEREKEKL[Gln2463Arg]QEAKLLQLKS

ClinVar aggregate classification (germline): Uncertain significance (1 of 4 stars; one submission).

Conditions:
Epidermolysis bullosa simplex with nail dystrophy (EBS5D). Identifiers: MedGen C4225309, MONDO:0014661, OMIM 616487.
Epidermolysis bullosa simplex, Ogna type (EBS5A). Also called: EPIDERMOLYSIS BULLOSA SIMPLEX 5A, OGNA TYPE; Pidermolysis bullosa simplex 5A, Ogna type. Identifiers: Orphanet 79401, MedGen C0432317, MONDO:0007555, OMIM 131950.
Autosomal recessive limb-girdle muscular dystrophy type 2Q (LGMDR17). Also called: MUSCULAR DYSTROPHY, LIMB-GIRDLE, AUTOSOMAL RECESSIVE 17. Identifiers: Orphanet 254361, MedGen C3150989, MONDO:0013390, OMIM 613723.
Epidermolysis bullosa simplex 5B, with muscular dystrophy (EBS5B). Also called: EPIDERMOLYSIS BULLOSA SIMPLEX AND LIMB-GIRDLE MUSCULAR DYSTROPHY; Epidermolysis bullosa simplex with muscular dystrophy. Identifiers: Orphanet 257, MedGen C2931072, MONDO:0009181, OMIM 226670.
Epidermolysis bullosa simplex 5C, with pyloric atresia (EBS5C). Also called: PLEC1-Related Epidermolysis Bullosa with Pyloric Atresia; PLEC-Related Epidermolysis Bullosa with Pyloric Atresia; Epidermolysis bullosa simplex with pyloric atresia. Identifiers: Orphanet 158684, MedGen C2677349, MONDO:0012807, OMIM 612138.

Submission:

Labcorp Genetics (formerly Invitae), Labcorp
Classification: Uncertain significance for Autosomal recessive limb-girdle muscular dystrophy type 2Q; Epidermolysis bullosa simplex, Ogna type; Epidermolysis bullosa simplex with nail dystrophy; Epidermolysis bullosa simplex 5C, with pyloric atresia; Epidermolysis bullosa simplex 5B, with muscular dystrophy. Last evaluated: 2024-10-09. Review status: criteria provided, single submitter. Criteria: Invitae Variant Classification Sherloc (09022015). Collection method: clinical testing. Allele origin: germline.
Comment: This sequence change replaces glutamine, which is neutral and polar, with arginine, which is basic and polar, at codon 2490 of the PLEC protein (p.Gln2490Arg). This variant is not present in population databases (gnomAD no frequency). This variant has not been reported in the literature in individuals affected with PLEC-related conditions. An algorithm developed to predict the effect of missense changes on protein structure and function (PolyPhen-2) suggests that this variant¬¨‚Ä†is likely to be tolerated. In summary, the available evidence is currently insufficient to determine the role of this variant in disease. Therefore, it has been classified as a Variant of Uncertain Significance.